The following is an entry in ClinVar:

ClinVar aggregate classification (germline): Likely benign. Review status: criteria provided, multiple submitters, no conflicts (2 of 4 stars). 2 submissions from 2 submitters: Likely benign (2). Last evaluated 2025-03-25.

gnomAD v4.1: 22 of 1,614,184 alleles (0.0014%); highest among the groups gnomAD compares: Middle Eastern, 0.016%; no homozygotes.

Submissions (2):

Labcorp Genetics (formerly Invitae), Labcorp
Classification: Likely benign. Last evaluated: 2025-03-25. Review status: criteria provided, single submitter. Criteria: Invitae Variant Classification Sherloc (09022015). Collection method: clinical testing. Allele origin: germline.

CeGaT Center for Human Genetics Tuebingen
Classification: Likely benign. Last evaluated: 2022-06-01. Review status: criteria provided, single submitter. Criteria: CeGaT Center For Human Genetics Tuebingen Variant Classification Criteria Version 2. Collection method: clinical testing. Allele origin: germline. Affected: yes. Observed: 1 variant allele.
Comment: MAPKBP1: BP4, BP7

NM_014994.3(MAPKBP1):c.1419C>T (p.Arg473=)

Gene: MAPKBP1 (mitogen-activated protein kinase binding protein 1; plus strand). Cytogenetic location: 15q15.1.
Variant type: single nucleotide variant.
Coding change: c.1419C>T on transcript NM_014994.3 (MANE Select); coding-DNA position 1419, C replaced by T.
Protein change: p.Arg473=; no amino-acid change (arginine 473 retained).
Molecular consequence: synonymous variant. On other transcripts: non-coding transcript variant (2).
Genome position (GRCh38, 1-based): chr15:41,815,725, C>T. VCF-style: chr15-41815725-C-T. GRCh37 (hg19) VCF-style: chr15-42107923-C-T.
Other names: c.1437C>T, p.Arg479= (NM_001128608.2); c.1419C>T, p.Arg473= (NM_001265611.2).
Identifiers: ClinVar variation 2645197 (VCV002645197.25), dbSNP rs150429615, ClinGen allele CA7497824.